The following is an entry in ClinVar:

ClinVar aggregate classification (germline): Conflicting classifications of pathogenicity. Review status: criteria provided, conflicting classifications (1 of 4 stars). 2 submissions from 2 submitters: Uncertain significance (1); Likely benign (1). Last evaluated 2023-03-23.

Conditions:
Hereditary cancer-predisposing syndrome. Also called: Neoplastic Syndromes, Hereditary; Tumor predisposition; Hereditary Cancer Syndrome; Hereditary neoplastic syndrome. Identifiers: Orphanet 140162, MedGen C0027672, MeSH D009386, MONDO:0015356.

Submissions (2):

University of Washington Department of Laboratory Medicine, University of Washington
Classification: Likely benign for Hereditary cancer-predisposing syndrome. Last evaluated: 2023-03-23. Review status: criteria provided, single submitter. Criteria: Dines et al. (Genet Med. 2020). Collection method: curation. Allele origin: germline.
Comment: Missense variant in a coldspot region where missense variants are very unlikely to be pathogenic (PMID:31911673).

BRCA1 coldspot (exon 11 using historical exon numbering). Reclassification based on statistical prior probability

Ambry Genetics
Classification: Uncertain significance for Hereditary cancer-predisposing syndrome. Last evaluated: 2021-11-01. Review status: criteria provided, single submitter. Criteria: Ambry Variant Classification Scheme 2023. Collection method: clinical testing. Allele origin: germline.
Comment: The p.T1289R variant (also known as c.3866C>G), located in coding exon 9 of the BRCA1 gene, results from a C to G substitution at nucleotide position 3866. The threonine at codon 1289 is replaced by arginine, an amino acid with similar properties. This amino acid position is poorly conserved in available vertebrate species. In addition, the in silico prediction for this alteration is inconclusive. Since supporting evidence is limited at this time, the clinical significance of this alteration remains unclear.

NM_007294.4(BRCA1):c.3866C>G (p.Thr1289Arg)

Genes: BRCA1 (BRCA1 DNA repair associated; minus strand), LOC126862571 (BRD4-independent group 4 enhancer GRCh37_chr17:41243136-41244335; plus strand). Cytogenetic location: 17q21.31.
Variant type: single nucleotide variant.
Coding change: c.3866C>G on transcript NM_007294.4 (MANE Select); coding-DNA position 3866, C replaced by G.
Protein change: p.Thr1289Arg; replaces threonine 1289 with arginine.
Molecular consequence: missense variant. On other transcripts: intron variant (135).
Genome position (GRCh38, 1-based): chr17:43,091,665, G>C on the plus strand (C>G on the coding strand, the complement: BRCA1 is on the minus strand). VCF-style: chr17-43091665-G-C. GRCh37 (hg19) VCF-style: chr17-41243682-G-C.
Other names: c.647-633C>G (NM_001408410.1, NM_001408458.1, NM_001408469.1 and 11 more transcripts); c.710-633C>G (NM_001408415.1, NM_001408412.1, NM_001408409.1 and 2 more transcripts); c.578-633C>G (NM_001408483.1, NM_001408481.1, NM_001408480.1 and 9 more transcripts); c.665-633C>G (NM_001408442.1, NM_001408426.1, NM_001408436.1 and 12 more transcripts); c.788-633C>G (NM_001407982.1, NM_001407970.1, NM_001407980.1 and 17 more transcripts); c.3866C>G, p.Thr1289Arg (NM_001407593.1, NM_001407594.1, NM_001407596.1 and 30 more transcripts); c.3863C>G, p.Thr1288Arg (NM_001407610.1, NM_001407611.1, NM_001407612.1 and 22 more transcripts); c.3857C>G, p.Thr1286Arg (NM_001407646.1, NM_001407647.1); and 41 more; short protein forms T1218R, T1242R, T1263R, T1178R, T1221R, T1286R, T1288R, T993R.
Identifiers: ClinVar variation 1735642 (VCV001735642.4), dbSNP rs2154280244, ClinGen allele CA10594227.
Genomic context (GRCh38, chr17:43,091,665, plus strand): 5'-TTTGCAGTCAAGTCTTCCAATTCACTGCACTGTGAAGAAAACAAGCTAGCAGAACATTTT[G>C]TTTCCTCACTAAGGTGATGTTCCTGAGATGCCTTTGCCAATATTACCTGGTTACTGCAGT-3'
Protein context (NP_009225.1, residues 1279-1299): ASQEHHLSEE[Thr1289Arg]KCSASLFSSQ